The following is an entry in ClinVar:

ClinVar aggregate classification (germline): other (0 of 4 stars; one submission).

Conditions:
Familial colorectal cancer. Identifiers: MedGen CN280943, MONDO:0023113. Disease mechanism: loss of function.

Submission:

Systems Biology Platform Zhejiang California International NanoSystems Institute
Classification: other for Familial colorectal cancer. Review status: no assertion criteria provided. Collection method: not provided. Allele origin: unknown.
ClinVar note: Converted during submission from cancer to other.

NC_000005.10:g.112849729C>A

Variant type: single nucleotide variant.
Genome position: GRCh38 VCF-style: chr5-112849729-C-A. GRCh37 (hg19) VCF-style: chr5-112185426-C-A.
Identifiers: ClinVar variation 83295 (VCV000083295.3), dbSNP rs75828475, ClinGen allele CA250987.